The following is an entry in ClinVar:

NM_000057.4(BLM):c.2162T>A (p.Val721Glu)

Gene: BLM (BLM RecQ like helicase; plus strand). Cytogenetic location: 15q26.1.
Variant type: single nucleotide variant.
Coding change: c.2162T>A on transcript NM_000057.4 (MANE Select); coding-DNA position 2162, T replaced by A.
Protein change: p.Val721Glu; replaces valine 721 with glutamic acid.
Molecular consequence: missense variant.
Genome position (GRCh38, 1-based): chr15:90,765,383, T>A. VCF-style: chr15-90765383-T-A. GRCh37 (hg19) VCF-style: chr15-91308613-T-A.
Other names: c.2162T>A, p.Val721Glu (NM_001287246.2, NM_001287247.2); c.1037T>A, p.Val346Glu (NM_001287248.2); short protein forms V721E, V346E.
Identifiers: ClinVar variation 1786936 (VCV001786936.4), dbSNP rs1436706002, ClinGen allele CA393844683.

ClinVar aggregate classification (germline): Uncertain significance. Review status: criteria provided, multiple submitters, no conflicts (2 of 4 stars). 2 submissions from 2 submitters: Uncertain significance (2). Last evaluated 2024-08-29.

Conditions:
Bloom syndrome (BLM). Also called: Bloom-Torre-Machacek syndrome. Identifiers: Orphanet 125, MedGen C0005859, MONDO:0008876, OMIM 210900.
Hereditary cancer-predisposing syndrome. Also called: Neoplastic Syndromes, Hereditary; Tumor predisposition; Hereditary Cancer Syndrome; Hereditary neoplastic syndrome. Identifiers: Orphanet 140162, MedGen C0027672, MeSH D009386, MONDO:0015356.

Submissions (2):

Labcorp Genetics (formerly Invitae), Labcorp
Classification: Uncertain significance for Bloom syndrome. Last evaluated: 2024-08-29. Review status: criteria provided, single submitter. Criteria: Invitae Variant Classification Sherloc (09022015). Collection method: clinical testing. Allele origin: germline.
Comment: This sequence change replaces valine, which is neutral and non-polar, with glutamic acid, which is acidic and polar, at codon 721 of the BLM protein (p.Val721Glu). This variant is not present in population databases (gnomAD no frequency). This variant has not been reported in the literature in individuals affected with BLM-related conditions. ClinVar contains an entry for this variant (Variation ID: 1786936). Invitae Evidence Modeling of protein sequence and biophysical properties (such as structural, functional, and spatial information, amino acid conservation, physicochemical variation, residue mobility, and thermodynamic stability) indicates that this missense variant is not expected to disrupt BLM protein function with a negative predictive value of 80%. In summary, the available evidence is currently insufficient to determine the role of this variant in disease. Therefore, it has been classified as a Variant of Uncertain Significance.

Ambry Genetics
Classification: Uncertain significance for Hereditary cancer-predisposing syndrome. Last evaluated: 2020-08-04. Review status: criteria provided, single submitter. Criteria: Ambry Variant Classification Scheme 2023. Collection method: clinical testing. Allele origin: germline.
Comment: The p.V721E variant (also known as c.2162T>A), located in coding exon 8 of the BLM gene, results from a T to A substitution at nucleotide position 2162. The valine at codon 721 is replaced by glutamic acid, an amino acid with dissimilar properties. This amino acid position is well conserved in available vertebrate species. In addition, this alteration is predicted to be tolerated by in silico analysis. Since supporting evidence is limited at this time, the clinical significance of this alteration remains unclear.